The following is an entry in ClinVar:

NM_052874.5(STX1B):c.774C>T (p.Ser258=)

Gene: STX1B (syntaxin 1B; minus strand). Cytogenetic location: 16p11.2.
Variant type: single nucleotide variant.
Coding change: c.774C>T on transcript NM_052874.5 (MANE Select); coding-DNA position 774, C replaced by T.
Protein change: p.Ser258=; no amino-acid change (serine 258 retained).
Molecular consequence: synonymous variant.
Genome position (GRCh38, 1-based): chr16:30,993,142, G>A on the plus strand (C>T on the coding strand, the complement: STX1B is on the minus strand). VCF-style: chr16-30993142-G-A. GRCh37 (hg19) VCF-style: chr16-31004463-G-A.
Identifiers: ClinVar variation 1001090 (VCV001001090.8), dbSNP rs2056572426, ClinGen allele CA494690375.

ClinVar aggregate classification (germline): Uncertain significance (1 of 4 stars; one submission).

Conditions:
Generalized epilepsy with febrile seizures plus, type 9 (GEFSP9). Also called: GEFS+, TYPE 9. Identifiers: Orphanet 36387, MedGen C4015395, MONDO:0014517, OMIM 616172.

Submission:

Labcorp Genetics (formerly Invitae), Labcorp
Classification: Uncertain significance for Generalized epilepsy with febrile seizures plus, type 9. Last evaluated: 2022-02-09. Review status: criteria provided, single submitter. Criteria: Invitae Variant Classification Sherloc (09022015). Collection method: clinical testing. Allele origin: germline.
Comment: This sequence change affects codon 258 of the STX1B mRNA. It is a 'silent' change, meaning that it does not change the encoded amino acid sequence of the STX1B protein. This variant is not present in population databases (gnomAD no frequency). This variant has not been reported in the literature in individuals affected with STX1B-related conditions. ClinVar contains an entry for this variant (Variation ID: 1001090). Algorithms developed to predict the effect of sequence changes on RNA splicing suggest that this variant may create or strengthen a splice site. In summary, the available evidence is currently insufficient to determine the role of this variant in disease. Therefore, it has been classified as a Variant of Uncertain Significance.